The following is an entry in ClinVar:

ClinVar aggregate classification (germline): Uncertain significance (1 of 4 stars; one submission).

Conditions:
Hereditary cancer-predisposing syndrome. Also called: Neoplastic Syndromes, Hereditary; Tumor predisposition; Hereditary Cancer Syndrome; Hereditary neoplastic syndrome. Identifiers: Orphanet 140162, MedGen C0027672, MeSH D009386, MONDO:0015356.

Submission:

Ambry Genetics
Classification: Uncertain significance for Hereditary cancer-predisposing syndrome. Last evaluated: 2025-11-24. Review status: criteria provided, single submitter. Criteria: Ambry Variant Classification Scheme 2023. Collection method: clinical testing. Allele origin: germline.
Comment: The p.R1031L variant (also known as c.3092G>T), located in coding exon 25 of the EGFR gene, results from a G to T substitution at nucleotide position 3092. The arginine at codon 1031 is replaced by leucine, an amino acid with dissimilar properties. This amino acid position is conserved. In addition, the in silico prediction for this alteration is inconclusive. Based on the available evidence, the clinical significance of this variant remains unclear.

NM_005228.5(EGFR):c.3092G>T (p.Arg1031Leu)

Gene: EGFR (epidermal growth factor receptor; plus strand). Cytogenetic location: 7p11.2.
Variant type: single nucleotide variant.
Coding change: c.3092G>T on transcript NM_005228.5 (MANE Select); coding-DNA position 3092, G replaced by T.
Protein change: p.Arg1031Leu; replaces arginine 1031 with leucine.
Molecular consequence: missense variant.
Genome position (GRCh38, 1-based): chr7:55,201,333, G>T. VCF-style: chr7-55201333-G-T. GRCh37 (hg19) VCF-style: chr7-55269026-G-T.
Other names: c.2957G>T, p.Arg986Leu (NM_001346897.2, NM_001346899.2); c.3092G>T, p.Arg1031Leu (NM_001346898.2); c.2933G>T, p.Arg978Leu (NM_001346900.2); c.2291G>T, p.Arg764Leu (NM_001346941.2); short protein forms R978L, R764L, R1031L, R986L.
Identifiers: ClinVar variation 4639822 (VCV004639822.1).